The following is an entry in ClinVar:

NM_001039141.3(TRIOBP):c.2548C>T (p.Gln850Ter)

Gene: TRIOBP (TRIO and F-actin binding protein; plus strand). Cytogenetic location: 22q13.1.
Variant type: single nucleotide variant.
Coding change: c.2548C>T on transcript NM_001039141.3 (MANE Select); coding-DNA position 2548, C replaced by T.
Protein change: p.Gln850Ter; replaces glutamine 850 with a stop codon.
Molecular consequence: nonsense.
Genome position (GRCh38, 1-based): chr22:37,725,104, C>T. VCF-style: chr22-37725104-C-T. GRCh37 (hg19) VCF-style: chr22-38121111-C-T.
Other names: short protein forms Q850*.
Identifiers: ClinVar variation 1950842 (VCV001950842.5), dbSNP rs1924062420, ClinGen allele CA411470568.

ClinVar aggregate classification (germline): Pathogenic (1 of 4 stars; one submission).

Allele frequency attached by ClinVar (database versions not stated): gnomAD exomes below 0.00001.

Submission:

Labcorp Genetics (formerly Invitae), Labcorp
Classification: Pathogenic. Last evaluated: 2023-08-04. Review status: criteria provided, single submitter. Criteria: Invitae Variant Classification Sherloc (09022015). Collection method: clinical testing. Allele origin: germline.
Comment: This sequence change creates a premature translational stop signal (p.Gln850*) in the TRIOBP gene. It is expected to result in an absent or disrupted protein product. Loss-of-function variants in TRIOBP are known to be pathogenic (PMID: 16385457, 16385458, 20510926). This variant is not present in population databases (gnomAD no frequency). This variant has not been reported in the literature in individuals affected with TRIOBP-related conditions. ClinVar contains an entry for this variant (Variation ID: 1950842). For these reasons, this variant has been classified as Pathogenic.

Literature cited by the submitters: PubMed 16385457; PubMed 16385458; PubMed 20510926.